The following is an entry in ClinVar:

NM_001378778.1(MPDZ):c.1552C>T (p.Pro518Ser)

Gene: MPDZ (multiple PDZ domain crumbs cell polarity complex component; minus strand). Cytogenetic location: 9p23.
Variant type: single nucleotide variant.
Coding change: c.1552C>T on transcript NM_001378778.1 (MANE Select); coding-DNA position 1552, C replaced by T.
Protein change: p.Pro518Ser; replaces proline 518 with serine.
Molecular consequence: missense variant.
Genome position (GRCh38, 1-based): chr9:13,196,225, G>A on the plus strand (C>T on the coding strand, the complement: MPDZ is on the minus strand). VCF-style: chr9-13196225-G-A. GRCh37 (hg19) VCF-style: chr9-13196224-G-A.
Other names: c.1552C>T (NM_003829.3); c.1552C>T, p.Pro518Ser (NM_001261406.2, NM_001261407.2, NM_001330637.2 and 14 more transcripts); short protein forms P518S.
Identifiers: ClinVar variation 1384156 (VCV001384156.9), dbSNP rs777116828, ClinGen allele CA4987746.

ClinVar aggregate classification (germline): Uncertain significance. Review status: criteria provided, multiple submitters, no conflicts (2 of 4 stars). 2 submissions from 2 submitters: Uncertain significance (2). Last evaluated 2024-10-07.

Conditions:
Inborn genetic diseases. Identifiers: MedGen C0950123, MeSH D030342.

Allele frequency attached by ClinVar (database versions not stated): ExAC 0.00002.

Submissions (2):

Ambry Genetics
Classification: Uncertain significance for Inborn genetic diseases. Last evaluated: 2024-10-07. Review status: criteria provided, single submitter. Criteria: Ambry Variant Classification Scheme 2023. Collection method: clinical testing. Allele origin: germline.

Labcorp Genetics (formerly Invitae), Labcorp
Classification: Uncertain significance. Last evaluated: 2022-03-06. Review status: criteria provided, single submitter. Criteria: Invitae Variant Classification Sherloc (09022015). Collection method: clinical testing. Allele origin: germline.
Comment: In summary, the available evidence is currently insufficient to determine the role of this variant in disease. Therefore, it has been classified as a Variant of Uncertain Significance. Algorithms developed to predict the effect of missense changes on protein structure and function are either unavailable or do not agree on the potential impact of this missense change (SIFT: "Deleterious"; PolyPhen-2: "Benign"; Align-GVGD: "Class C65"). This variant has not been reported in the literature in individuals affected with MPDZ-related conditions. The frequency data for this variant in the population databases is considered unreliable, as metrics indicate poor data quality at this position in the gnomAD database. This sequence change replaces proline, which is neutral and non-polar, with serine, which is neutral and polar, at codon 518 of the MPDZ protein (p.Pro518Ser).